The following is an entry in ClinVar:

NM_000179.3(MSH6):c.2010G>T (p.Gly670=)

Gene: MSH6 (mutS homolog 6; plus strand). Cytogenetic location: 2p16.3.
Variant type: single nucleotide variant.
Coding change: c.2010G>T on transcript NM_000179.3 (MANE Select); coding-DNA position 2010, G replaced by T.
Protein change: p.Gly670=; no amino-acid change (glycine 670 retained).
Molecular consequence: synonymous variant. On other transcripts: non-coding transcript variant (5), intron variant (2).
Genome position (GRCh38, 1-based): chr2:47,799,993, G>T. VCF-style: chr2-47799993-G-T. GRCh37 (hg19) VCF-style: chr2-48027132-G-T.
Other names: c.1620G>T, p.Gly540= (NM_001281492.2); c.1104G>T, p.Gly368= (NM_001281493.2, NM_001281494.2, NM_001406811.1 and 6 more transcripts); c.2106G>T, p.Gly702= (NM_001406795.1, NM_001406802.1); c.2010G>T, p.Gly670= (NM_001406796.1, NM_001406798.1, NM_001406800.1 and 3 more transcripts); c.1713G>T, p.Gly571= (NM_001406797.1, NM_001406801.1, NM_001406805.1 and 10 more transcripts); c.1485G>T, p.Gly495= (NM_001406799.1, NM_001406806.1, NM_001406807.1); c.1932G>T, p.Gly644= (NM_001406804.1); c.2016G>T, p.Gly672= (NM_001406813.1); and 3 more.
Identifiers: ClinVar variation 3904126 (VCV003904126.1).
Genomic context (GRCh38, chr2:47,799,993, plus strand): 5'-CATTGGGGTGATGTTACCCCAGGTGCTTAAAGGTATGACTTCAGAGTCTGATTCCATTGG[G>T]TTGACACCAGGAGAGAAAAGTGAATTGGCCCTCTCTGCTCTAGGTGGTTGTGTCTTCTAC-3'
Protein context (NP_000170.1, residues 660-680): KGMTSESDSI[Gly670=]LTPGEKSELA

ClinVar aggregate classification (germline): Benign (1 of 4 stars; one submission).

Conditions:
Lynch syndrome 5 (LYNCH5). Also called: Colorectal cancer, hereditary nonpolyposis, type 5; Hereditary non-polyposis colorectal cancer, type 5. Identifiers: Orphanet 144, MedGen C1833477, MONDO:0013710, OMIM 614350. Disease mechanism: loss of function.

Submission:

Myriad Genetics, Inc.
Classification: Benign for Lynch syndrome 5. Last evaluated: 2024-12-30. Review status: criteria provided, single submitter. Criteria: Myriad Autosomal Dominant, Autosomal Recessive and X-Linked Classification Criteria (2023). Collection method: clinical testing. Allele origin: unknown.
Comment: This variant is considered benign. This variant is a silent/synonymous amino acid change and it is not expected to impact splicing.